The following is an entry in ClinVar:

ClinVar aggregate classification (germline): Conflicting classifications of pathogenicity. Review status: criteria provided, conflicting classifications (1 of 4 stars). 2 submissions from 2 submitters: Uncertain significance (1); Likely benign (1). Last evaluated 2025-09-23.

Conditions:
Idiopathic Pulmonary Fibrosis. Also called: Idiopathic fibrosing alveolitis, chronic form; idiopathic fibrosing alveolitis. Identifiers: Orphanet 2032, MedGen C1800706, MeSH D054990, MONDO:0800504.
Dyskeratosis congenita, autosomal dominant 2. Identifiers: MedGen C3151443, MONDO:0013521, OMIM 613989.
Dyskeratosis congenita. Identifiers: Orphanet 1775, MedGen C0265965, MONDO:0015780.

Allele frequency attached by ClinVar (database versions not stated): gnomAD exomes below 0.00001.
gnomAD v4.1: 1 of 1,567,388 alleles (0.000064%); highest among the groups gnomAD compares: African/African-American, 0.0014%; no homozygotes.

Submissions (2):

Ambry Genetics
Classification: Likely benign for Dyskeratosis congenita. Last evaluated: 2025-09-23. Review status: criteria provided, single submitter. Criteria: Ambry Variant Classification Scheme 2023. Collection method: clinical testing. Allele origin: germline.

Labcorp Genetics (formerly Invitae), Labcorp
Classification: Uncertain significance for Dyskeratosis congenita, autosomal dominant 2; Idiopathic Pulmonary Fibrosis. Last evaluated: 2021-10-31. Review status: criteria provided, single submitter. Criteria: Invitae Variant Classification Sherloc (09022015). Collection method: clinical testing. Allele origin: germline.
Comment: In summary, the available evidence is currently insufficient to determine the role of this variant in disease. Therefore, it has been classified as a Variant of Uncertain Significance. Advanced modeling of protein sequence and biophysical properties (such as structural, functional, and spatial information, amino acid conservation, physicochemical variation, residue mobility, and thermodynamic stability) performed at Invitae indicates that this missense variant is not expected to disrupt TERT protein function. ClinVar contains an entry for this variant (Variation ID: 1019212). This variant has not been reported in the literature in individuals affected with TERT-related conditions. This variant is not present in population databases (gnomAD no frequency). This sequence change replaces glutamine, which is neutral and polar, with arginine, which is basic and polar, at codon 302 of the TERT protein (p.Gln302Arg).

NM_198253.3(TERT):c.905A>G (p.Gln302Arg)

Gene: TERT (telomerase reverse transcriptase; minus strand). Cytogenetic location: 5p15.33.
Variant type: single nucleotide variant.
Coding change: c.905A>G on transcript NM_198253.3 (MANE Select); coding-DNA position 905, A replaced by G.
Protein change: p.Gln302Arg; replaces glutamine 302 with arginine.
Molecular consequence: missense variant. On other transcripts: non-coding transcript variant (2).
Genome position (GRCh38, 1-based): chr5:1,293,981, T>C on the plus strand (A>G on the coding strand, the complement: TERT is on the minus strand). VCF-style: chr5-1293981-T-C. GRCh37 (hg19) VCF-style: chr5-1294096-T-C.
Other names: c.905A>G, p.Gln302Arg (NM_001193376.3); short protein forms Q302R.
Identifiers: ClinVar variation 1019212 (VCV001019212.10), dbSNP rs1751188438, ClinGen allele CA359056213.
Genomic context (GRCh38, chr5:1,293,981, plus strand): 5'-GGACAAGGCGTGTCCCAGGGACGTGGTGGCCGCGATGTGGATGGGGGGCCCGCGTGGTGC[T>C]GGCGGCCCACGGATGGGTGGGAGTGGCGCGTGCCAGAGAGCGCACCCTCCAAAGAGGTGG-3'
Protein context (NP_937983.2, residues 292-312): TRHSHPSVGR[Gln302Arg]HHAGPPSTSR